The following is an entry in ClinVar:

NM_021615.5(CHST6):c.432C>A (p.Ser144Arg)

Gene: CHST6 (carbohydrate sulfotransferase 6; minus strand). Cytogenetic location: 16q23.1.
Variant type: single nucleotide variant.
Coding change: c.432C>A on transcript NM_021615.5 (MANE Select); coding-DNA position 432, C replaced by A.
Protein change: p.Ser144Arg; replaces serine 144 with arginine.
Molecular consequence: missense variant.
Genome position (GRCh38, 1-based): chr16:75,479,397, G>T on the plus strand (C>A on the coding strand, the complement: CHST6 is on the minus strand). VCF-style: chr16-75479397-G-T. GRCh37 (hg19) VCF-style: chr16-75513295-G-T.
Other names: short protein forms S144R.
Identifiers: ClinVar variation 3374764 (VCV003374764.1).

ClinVar aggregate classification (germline): Uncertain significance (1 of 4 stars; one submission).

Submission:

Women's Health and Genetics/Laboratory Corporation of America, LabCorp
Classification: Uncertain significance. Last evaluated: 2024-09-16. Review status: criteria provided, single submitter. Criteria: LabCorp Variant Classification Summary - May 2015. Collection method: clinical testing. Allele origin: germline.
Comment: Variant summary: CHST6 c.432C>A (p.Ser144Arg) results in a non-conservative amino acid change located in the Sulfotransferase domain (IPR000863) of the encoded protein sequence. Four of five in-silico tools predict a damaging effect of the variant on protein function. The variant was absent in 247122 control chromosomes. c.432C>A has been reported in the literature in individuals affected with Macular Corneal Dystrophy (example: Wang_2017). These data indicate that the variant may be associated with disease. To our knowledge, no experimental evidence demonstrating an impact on protein function has been reported. The following publication has been ascertained in the context of this evaluation (PMID: 29221207). No submitters have cited clinical-significance assessments for this variant to ClinVar. Based on the evidence outlined above, the variant was classified as VUS-possibly pathogenic.

Literature cited by the submitters: PubMed 29221207.